The following is an entry in ClinVar:

NM_001267550.2(TTN):c.63270T>G (p.Tyr21090Ter)

Genes: TTN-AS1 (TTN antisense RNA 1; plus strand), TTN (titin; minus strand). Cytogenetic location: 2q31.2.
Variant type: single nucleotide variant.
Coding change: c.63270T>G on transcript NM_001267550.2 (MANE Select); coding-DNA position 63270, T replaced by G.
Protein change: p.Tyr21090Ter; replaces tyrosine 21090 with a stop codon.
Molecular consequence: nonsense.
Genome position (GRCh38, 1-based): chr2:178,588,137, A>C on the plus strand (T>G on the coding strand, the complement: TTN is on the minus strand). VCF-style: chr2-178588137-A-C. GRCh37 (hg19) VCF-style: chr2-179452864-A-C.
Other names: c.58347T>G, p.Tyr19449Ter (NM_001256850.1); c.36075T>G, p.Tyr12025Ter (NM_003319.4); c.55566T>G, p.Tyr18522Ter (NM_133378.4); c.36450T>G, p.Tyr12150Ter (NM_133432.3); c.36651T>G, p.Tyr12217Ter (NM_133437.4); short protein forms Y12150*, Y18522*, Y12025*, Y12217*, Y19449*, Y21090*.
Identifiers: ClinVar variation 1482882 (VCV001482882.6), dbSNP rs878991431, ClinGen allele CA349454569.

ClinVar aggregate classification (germline): Likely pathogenic (1 of 4 stars; one submission).

Conditions:
Dilated cardiomyopathy 1G (CMD1G). Identifiers: Orphanet 154, MedGen C1858763, MONDO:0011400, OMIM 604145.
Autosomal recessive limb-girdle muscular dystrophy type 2J (LGMDR10). Also called: Limb-girdle muscular dystrophy, type 2J; MUSCULAR DYSTROPHY, LIMB-GIRDLE, AUTOSOMAL RECESSIVE 10. Identifiers: Orphanet 140922, MedGen C1837342, MONDO:0012127, OMIM 608807.

Submission:

Labcorp Genetics (formerly Invitae), Labcorp
Classification: Likely pathogenic for Dilated cardiomyopathy 1G; Autosomal recessive limb-girdle muscular dystrophy type 2J. Last evaluated: 2023-06-23. Review status: criteria provided, single submitter. Criteria: Invitae Variant Classification Sherloc (09022015). Collection method: clinical testing. Allele origin: germline.
Comment: This sequence change creates a premature translational stop signal (p.Tyr21090*) in the TTN gene. While this is not anticipated to result in nonsense mediated decay, it is expected to create a truncated TTN protein. This variant is not present in population databases (gnomAD no frequency). This variant has not been reported in the literature in individuals affected with TTN-related conditions. ClinVar contains an entry for this variant (Variation ID: 1482882). This variant is located in the A band of TTN (PMID: 25589632). Truncating variants in this region are significantly overrepresented in patients affected with dilated cardiomyopathy (PMID: 25589632). Truncating variants in this region have also been reported in individuals affected with autosomal recessive centronuclear myopathy (PMID: 23975875). In summary, the currently available evidence indicates that the variant is pathogenic, but additional data are needed to prove that conclusively. Therefore, this variant has been classified as Likely Pathogenic.

Literature cited by the submitters: PubMed 25589632; PubMed 23975875.